The following is an entry in ClinVar:

ClinVar aggregate classification (germline): Uncertain significance. Review status: criteria provided, multiple submitters, no conflicts (2 of 4 stars). 4 submissions from 4 submitters: Uncertain significance (2). 2 of the submissions do not count toward it. Last evaluated 2025-11-27.

Conditions:
Hereditary cancer-predisposing syndrome. Also called: Hereditary neoplastic syndrome; Neoplastic Syndromes, Hereditary; Tumor predisposition; Hereditary Cancer Syndrome. Identifiers: Orphanet 140162, MedGen C0027672, MeSH D009386, MONDO:0015356.
Ataxia-telangiectasia syndrome (AT). Also called: LOUIS-BAR SYNDROME; Cerebello-oculocutaneous telangiectasia; Immunodeficiency with ataxia telangiectasia; AT, COMPLEMENTATION GROUP C; Ataxia-telangiectasia, complementation group D; ATAXIA-TELANGIECTASIA, COMPLEMENTATION GROUP A. Identifiers: Orphanet 100, MedGen C0004135, MONDO:0008840, OMIM 208900.
Malignant tumor of breast. Also called: Malignant breast neoplasm; Cancer breast. Identifiers: MedGen C0006142, MONDO:0007254. Disease mechanism: loss of function.

Allele frequency attached by ClinVar (database versions not stated): gnomAD exomes below 0.00001.
gnomAD v4.1: 3 of 1,613,188 alleles (0.00019%); highest among the groups gnomAD compares: Non-Finnish European, 0.00025%; no homozygotes.

Submissions (4):

Labcorp Genetics (formerly Invitae), Labcorp
Classification: Uncertain significance for Ataxia-telangiectasia syndrome. Last evaluated: 2025-11-27. Review status: criteria provided, single submitter. Criteria: Invitae Variant Classification Sherloc (09022015). Collection method: clinical testing. Allele origin: germline.
Comment: This sequence change replaces methionine, which is neutral and non-polar, with valine, which is neutral and non-polar, at codon 617 of the ATM protein (p.Met617Val). This variant is not present in population databases (gnomAD no frequency). This variant has not been reported in the literature in individuals affected with ATM-related conditions. ClinVar contains an entry for this variant (Variation ID: 482605). Invitae Evidence Modeling of protein sequence and biophysical properties (such as structural, functional, and spatial information, amino acid conservation, physicochemical variation, residue mobility, and thermodynamic stability) indicates that this missense variant is not expected to disrupt ATM protein function with a negative predictive value of 95%. In summary, the available evidence is currently insufficient to determine the role of this variant in disease. Therefore, it has been classified as a Variant of Uncertain Significance.

Ambry Genetics
Classification: Uncertain significance for Hereditary cancer-predisposing syndrome. Last evaluated: 2024-07-12. Review status: criteria provided, single submitter. Criteria: Ambry Variant Classification Scheme 2023. Collection method: clinical testing. Allele origin: germline.
Comment: The p.M617V variant (also known as c.1849A>G), located in coding exon 11 of the ATM gene, results from an A to G substitution at nucleotide position 1849. The methionine at codon 617 is replaced by valine, an amino acid with highly similar properties. In one study, this alteration was not observed in 7,051 unselected female breast cancer patients and was observed with an allele frequency of 0.00009 in 11,241 female controls of Japanese ancestry (Momozawa Y et al. Nat Commun, 2018 10;9:4083). This variant was also observed in 1/3251 individuals who met eligibility criteria for hereditary breast and ovarian cancer syndrome; This amino acid position is well conserved in available vertebrate species. In addition, this alteration is predicted to be tolerated by in silico analysis. Based on the available evidence, the clinical significance of this variant remains unclear.

Natera, Inc.
Classification: Uncertain significance for Ataxia-telangiectasia. Last evaluated: 2021-02-08. Review status: no assertion criteria provided. Collection method: clinical testing. Allele origin: germline. Not counted in ClinVar's aggregate classification.

Department of Pathology and Laboratory Medicine, Sinai Health System
Classification: Uncertain significance for Malignant tumor of breast. Review status: no assertion criteria provided. Collection method: clinical testing. Allele origin: unknown. Affected: yes. Study: The Canadian Open Genetics Repository (COGR). Not counted in ClinVar's aggregate classification.
Comment: The ATM p.Met617Val variant was not identified in 14122 proband chromosomes from individuals or families with breast cancer, but was present in 1 of 22482 control chromosomes (frequency: 0.00004) from healthy individuals (Momozawa 2018). The variant was also identified in ClinVar (classified a uncertain significance by Ambry Genetics), and in LOVD 3.0 (1x as VUS). The variant was not identified in dbSNP. The variant was not identified in the following control databases: the Exome Aggregation Consortium (August 8th 2016), or the Genome Aggregation Database (Feb 27, 2017). The p.Met617 residue is conserved in mammals but not in more distantly related organisms however four out of five computational analyses (PolyPhen-2, SIFT, AlignGVGD, BLOSUM, MutationTaster) do not suggest a high likelihood of impact to the protein; this information is not predictive enough to rule out pathogenicity. The variant occurs outside of the splicing consensus sequence and in silico or computational prediction software programs (SpliceSiteFinder, MaxEntScan, NNSPLICE, GeneSplicer) do not predict a difference in splicing. In summary, based on the above information the clinical significance of this variant cannot be determined with certainty at this time. This variant is classified as a variant of uncertain significance.

Literature cited by the submitters: PubMed 30287823 (cited by Ambry Genetics); PubMed 32885271 (cited by Ambry Genetics).

NM_000051.4(ATM):c.1849A>G (p.Met617Val)

Gene: ATM (ATM serine/threonine kinase; plus strand). Cytogenetic location: 11q22.3.
Variant type: single nucleotide variant.
Coding change: c.1849A>G on transcript NM_000051.4 (MANE Select); coding-DNA position 1849, A replaced by G.
Protein change: p.Met617Val; replaces methionine 617 with valine.
Molecular consequence: missense variant.
Genome position (GRCh38, 1-based): chr11:108,252,863, A>G. VCF-style: chr11-108252863-A-G. GRCh37 (hg19) VCF-style: chr11-108123590-A-G.
Other names: c.1849A>G, p.Met617Val (NM_001351834.2); short protein forms M617V.
Identifiers: ClinVar variation 482605 (VCV000482605.23), dbSNP rs1555072530, ClinGen allele CA382535861.